The following is an entry in ClinVar:

NM_000388.4(CASR):c.513C>A (p.Ser171Arg)

Gene: CASR (calcium sensing receptor; plus strand). Cytogenetic location: 3q21.1.
Variant type: single nucleotide variant.
Coding change: c.513C>A on transcript NM_000388.4 (MANE Select); coding-DNA position 513, C replaced by A.
Protein change: p.Ser171Arg; replaces serine 171 with arginine.
Molecular consequence: missense variant.
Genome position (GRCh38, 1-based): chr3:122,261,548, C>A. VCF-style: chr3-122261548-C-A. GRCh37 (hg19) VCF-style: chr3-121980395-C-A.
Other names: c.513C>A, p.Ser171Arg (NM_001178065.2); short protein forms S171R.
Identifiers: ClinVar variation 410349 (VCV000410349.16), dbSNP rs764149433, ClinGen allele CA16611107.
Genomic context (GRCh38, chr3:122,261,548, plus strand): 5'-CACTCACTCACTCATTCACCATGTTCTTGGTTCTCTCCAGGTCAGTTATGCCTCCTCCAG[C>A]AGACTCCTCAGCAACAAGAATCAATTCAAGTCTTTCCTCCGAACCATCCCCAATGATGAG-3'
Protein context (NP_000379.3, residues 161-181): YIPQVSYASS[Ser171Arg]RLLSNKNQFK

ClinVar aggregate classification (germline): Conflicting classifications of pathogenicity. Review status: criteria provided, conflicting classifications (1 of 4 stars). 5 submissions from 5 submitters: Pathogenic (1); Uncertain significance (3). 1 of the submissions does not count toward it. Last evaluated 2025-05-05.

Conditions:
Autosomal dominant hypocalcemia 1 (HYPOC1). Also called: HYPOCALCEMIA, FAMILIAL. Identifiers: MedGen C3715128, MONDO:0011013, OMIM 601198.
Familial hypocalciuric hypercalcemia (FHH). Also called: Familial benign hypercalcemia. Identifiers: Orphanet 405, MedGen C1809471, MONDO:0018458.
Nephrolithiasis/nephrocalcinosis. Identifiers: MedGen CN580796.
Epilepsy, idiopathic generalized, susceptibility to, 8. Identifiers: MedGen C2752062, MONDO:0013032, OMIM 612899.

gnomAD v4.1: 1 of 1,614,192 alleles (0.000062%); highest among the groups gnomAD compares: Admixed American, 0.0017%; no homozygotes.

Submissions (5):

Labcorp Genetics (formerly Invitae), Labcorp
Classification: Pathogenic for Familial hypocalciuric hypercalcemia; Autosomal dominant hypocalcemia 1. Last evaluated: 2025-05-05. Review status: criteria provided, single submitter. Criteria: Invitae Variant Classification Sherloc (09022015). Collection method: clinical testing. Allele origin: germline.
Comment: This sequence change replaces serine, which is neutral and polar, with arginine, which is basic and polar, at codon 171 of the CASR protein (p.Ser171Arg). This variant is not present in population databases (gnomAD no frequency). This missense change has been observed in individuals with familial hypocalciuric hypercalcemia (PMID: 26963950, 30895164, 32347971, 32761341). Invitae Evidence Modeling of clinical and family history, age, sex, and reported ancestry of multiple individuals with this CASR variant has been performed. This variant is expected to be pathogenic with a positive predictive value of at least 99%. This is a validated machine learning model that incorporates the clinical features of 646,172 individuals referred to our laboratory for CASR testing. ClinVar contains an entry for this variant (Variation ID: 410349). An algorithm developed to predict the effect of missense changes on protein structure and function (PolyPhen-2) suggests that this variant is likely to be disruptive. For these reasons, this variant has been classified as Pathogenic.

Women's Health and Genetics/Laboratory Corporation of America, LabCorp
Classification: Uncertain significance. Last evaluated: 2025-01-07. Review status: criteria provided, single submitter. Criteria: LabCorp Variant Classification Summary - May 2015. Collection method: clinical testing. Allele origin: germline.
Comment: Variant summary: CASR c.513C>A (p.Ser171Arg) results in a non-conservative amino acid change located in the Periplasmic binding protein-like I domain (IPR028082) of the encoded protein sequence. Five of five in-silico tools predict a damaging effect of the variant on protein function. The variant was absent in 251238 control chromosomes. c.513C>A has been reported in the heterozygous state in the literature in multiple individuals affected with autosomal dominant Familial Hypocalciuric Hypercalcemia (example, Carlsson_2019, Khairi_2020, Mouly_2020, Vargas-Poussou_2016). These data indicate that the variant may be associated with disease. To our knowledge, no experimental evidence demonstrating an impact on protein function has been reported. The following publications have been ascertained in the context of this evaluation (PMID: 30895164, 32761341, 32347971, 26963950). ClinVar contains an entry for this variant (Variation ID: 410349). Based on the evidence outlined above, the variant was classified as VUS-possibly pathogenic.

Ambry Genetics
Classification: Uncertain significance for Nephrolithiasis/nephrocalcinosis. Last evaluated: 2023-09-26. Review status: criteria provided, single submitter. Criteria: Ambry Variant Classification Scheme 2023. Collection method: clinical testing. Allele origin: germline.
Comment: The p.S171R variant (also known as c.513C>A), located in coding exon 3 of the CASR gene, results from a C to A substitution at nucleotide position 513. The serine at codon 171 is replaced by arginine, an amino acid with dissimilar properties. This alteration has been identified in multiple individuals diagnosed with familial hypocalciuric hypercalcemia (FHH) (Vargas-Poussou R et al. J Clin Endocrinol Metab, 2016 May;101:2185-95; Khairi S et al. Horm Cancer, 2020 Oct;11:250-255). This amino acid position is highly conserved in available vertebrate species. In addition, this alteration is predicted to be deleterious by in silico analysis. Since supporting evidence is limited at this time, the clinical significance of this alteration remains unclear.

Molecular Diagnostics Lab, Nemours Children's Health, Delaware
Classification: Uncertain significance. Last evaluated: 2015-12-30. Review status: criteria provided, single submitter. Criteria: ACMG Guidelines, 2015. Collection method: clinical testing. Allele origin: unknown. Affected: yes. Observed: 1 heterozygote.

Clinical Genetics Laboratory, University Hospital Schleswig-Holstein
Classification: Uncertain significance for Epilepsy, idiopathic generalized, susceptibility to, 8. Last evaluated: 2023-11-30. Review status: no assertion criteria provided. Collection method: clinical testing. Allele origin: germline. Affected: yes. Not counted in ClinVar's aggregate classification.

Literature cited by the submitters: PubMed 26963950 (cited by 3 submitters); PubMed 30895164 (cited by Labcorp Genetics (formerly Invitae), Labcorp and Women's Health and Genetics/Laboratory Corporation of America, LabCorp); PubMed 32347971 (cited by Labcorp Genetics (formerly Invitae), Labcorp and Women's Health and Genetics/Laboratory Corporation of America, LabCorp); PubMed 32761341 (cited by 3 submitters).